The following is an entry in ClinVar:

ClinVar aggregate classification (germline): Uncertain significance. Review status: criteria provided, multiple submitters, no conflicts (2 of 4 stars). 4 submissions from 4 submitters: Uncertain significance (3). 1 of the submissions does not count toward it. Last evaluated 2025-12-24.

Conditions:
ACACA-related disorder. Also called: ACACA-related condition.

Allele frequency attached by ClinVar (database versions not stated): TOPMed 0.00011; gnomAD 0.00013; ExAC 0.00046.
gnomAD v4.1: 292 of 1,614,052 alleles (0.018%); highest among the groups gnomAD compares: Non-Finnish European, 0.022%; no homozygotes.

Submissions (4):

Labcorp Genetics (formerly Invitae), Labcorp
Classification: Uncertain significance. Last evaluated: 2025-12-24. Review status: criteria provided, single submitter. Criteria: Invitae Variant Classification Sherloc (09022015). Collection method: clinical testing. Allele origin: germline.
Comment: This sequence change replaces glycine, which is neutral and non-polar, with glutamic acid, which is acidic and polar, at codon 2152 of the ACACA protein (p.Gly2152Glu). This variant is present in population databases (rs199873625, gnomAD 0.06%), and has an allele count higher than expected for a pathogenic variant. This variant has not been reported in the literature in individuals affected with ACACA-related conditions. ClinVar contains an entry for this variant (Variation ID: 1990396). An algorithm developed to predict the effect of missense changes on protein structure and function (PolyPhen-2) suggests that this variant is likely to be tolerated. In summary, the available evidence is currently insufficient to determine the role of this variant in disease. Therefore, it has been classified as a Variant of Uncertain Significance.

Women's Health and Genetics/Laboratory Corporation of America, LabCorp
Classification: Uncertain significance. Last evaluated: 2024-04-04. Review status: criteria provided, single submitter. Criteria: LabCorp Variant Classification Summary - May 2015. Collection method: clinical testing. Allele origin: germline.
Comment: Variant summary: ACACA c.6455G>A (p.Gly2152Glu) results in a non-conservative amino acid change in the encoded protein sequence. Three of five in-silico tools predict a damaging effect of the variant on protein function. Consensus agreement among computation tools predict no significant impact on normal splicing. However, these predictions have yet to be confirmed by functional studies. The variant allele was found at a frequency of 0.00032 in 251454 control chromosomes (gnomAD). To our knowledge, no occurrence of c.6455G>A in individuals affected with Acetyl-CoA: Carboxylase Deficiency and no experimental evidence demonstrating its impact on protein function have been reported. ClinVar contains an entry for this variant (Variation ID: 1990396). Based on the evidence outlined above, the variant was classified as uncertain significance.

Ambry Genetics
Classification: Uncertain significance. Last evaluated: 2022-05-04. Review status: criteria provided, single submitter. Criteria: Ambry Variant Classification Scheme 2023. Collection method: clinical testing. Allele origin: germline.

PreventionGenetics, part of Exact Sciences
Classification: Uncertain significance for ACACA-related condition. Last evaluated: 2024-06-15. Review status: no assertion criteria provided. Collection method: clinical testing. Allele origin: germline. Not counted in ClinVar's aggregate classification.
Comment: The ACACA c.6566G>A variant is predicted to result in the amino acid substitution p.Gly2189Glu. To our knowledge, this variant has not been reported in the literature. This variant is reported in 0.061% of alleles in individuals of European (Non-Finnish) descent in gnomAD. Although we suspect that this variant may be benign, at this time, the clinical significance of this variant is uncertain due to the absence of conclusive functional and genetic evidence.

NM_198834.3(ACACA):c.6566G>A (p.Gly2189Glu)

Gene: ACACA (acetyl-CoA carboxylase alpha; minus strand). Cytogenetic location: 17q12.
Variant type: single nucleotide variant.
Coding change: c.6566G>A on transcript NM_198834.3 (MANE Select); coding-DNA position 6566, G replaced by A.
Protein change: p.Gly2189Glu; replaces glycine 2189 with glutamic acid.
Molecular consequence: missense variant.
Genome position (GRCh38, 1-based): chr17:37,097,984, C>T on the plus strand (G>A on the coding strand, the complement: ACACA is on the minus strand). VCF-style: chr17-37097984-C-T. GRCh37 (hg19) VCF-style: chr17-35454919-C-T.
Other names: c.6455G>A (NM_198839.1); c.6455G>A, p.Gly2152Glu (NM_198836.3, NM_198839.3); c.6281G>A, p.Gly2094Glu (NM_198837.2); c.6221G>A, p.Gly2074Glu (NM_198838.2); c.6566G>A (NM_198834.2); short protein forms G2094E, G2189E, G2152E, G2074E.
Identifiers: ClinVar variation 1990396 (VCV001990396.7), dbSNP rs199873625, ClinGen allele CA8514599.
Genomic context (GRCh38, chr17:37,097,984, plus strand): 5'-TCCCGCTCCTTCAACTTGTTCTCCAACTCCTTCCGCTCAGCTGTGCTTAGCTCTGGGGTC[C>T]CTGCAATTAGATAAACATGCCCGTCACACTCTGTAATGACCAGGAATCTCTCTGCACAAA-3'
Protein context (NP_942131.1, residues 2179-2199): PVYIHLAERL[Gly2189Glu]TPELSTAERK